The following is an entry in ClinVar:

NM_000199.5(SGSH):c.950-65C>T

Gene: SGSH (N-sulfoglucosamine sulfohydrolase; minus strand). Cytogenetic location: 17q25.3.
Variant type: single nucleotide variant.
Coding change: c.950-65C>T on transcript NM_000199.5 (MANE Select); 65 bases into the intron before coding-DNA position 950, C replaced by T.
Molecular consequence: intron variant. On other transcripts: missense variant (1).
Genome position (GRCh38, 1-based): chr17:80,211,076, G>A on the plus strand (C>T on the coding strand, the complement: SGSH is on the minus strand). VCF-style: chr17-80211076-G-A. GRCh37 (hg19) VCF-style: chr17-78184875-G-A.
Other names: c.1061C>T (NM_001352921.1); c.1061C>T, p.Ala354Val (NM_001352921.3); c.1005-65C>T (NM_001352922.2); short protein forms A354V.
Identifiers: ClinVar variation 1050522 (VCV001050522.4), dbSNP rs537972451, ClinGen allele CA294891223.

ClinVar aggregate classification (germline): Conflicting classifications of pathogenicity. Review status: criteria provided, conflicting classifications (1 of 4 stars). 3 submissions from 3 submitters: Uncertain significance (1); Likely benign (1). 1 of the submissions does not count toward it. Last evaluated 2024-11-18.

Conditions:
SGSH-related disorder. Also called: SGSH-related condition.
Mucopolysaccharidosis, MPS-III-A (MPS3A). Also called: mucopolysaccharidosis type 3A; MPS IIIA (Sanfilippo Syndrome Type A); HEPARAN SULFATE SULFATASE DEFICIENCY; MUCOPOLYSACCHARIDOSIS, TYPE IIIA, ATTENUATED; Mucopolysaccharidosis type IIIA (Sanfilippo A); Mucopolysaccharidosis, type IIIA. Identifiers: Orphanet 581, Orphanet 79269, MedGen C0086647, MONDO:0009655, OMIM 252900.

Allele frequency attached by ClinVar (database versions not stated): gnomAD exomes 0.00100; 1000 Genomes Project 30x 0.00297; TOPMed 0.00010; gnomAD 0.00003 and 0.00051; 1000 Genomes Project 0.00280.
gnomAD v4.1: 1,512 of 1,586,710 alleles (0.095%); highest among the groups gnomAD compares: South Asian, 1.6%; 25 homozygotes.

Submissions (3):

PreventionGenetics, part of Exact Sciences
Classification: Likely benign for SGSH-related condition. Last evaluated: 2024-11-18. Review status: criteria provided, single submitter. Criteria: ACMG Guidelines, 2015. Collection method: clinical testing. Allele origin: germline.
Comment: This variant is classified as likely benign based on ACMG/AMP sequence variant interpretation guidelines (Richards et al. 2015 PMID: 25741868, with internal and published modifications).

Genome-Nilou Lab
Classification: Uncertain significance for Mucopolysaccharidosis, MPS-III-A. Last evaluated: 2021-11-07. Review status: criteria provided, single submitter. Criteria: ACMG Guidelines, 2015. Collection method: clinical testing. Allele origin: germline. Affected: no.

Department of Pathology and Laboratory Medicine, Sinai Health System
Classification: Uncertain significance. Review status: no assertion criteria provided. Collection method: clinical testing. Allele origin: unknown. Affected: yes. Study: The Canadian Open Genetics Repository (COGR). Not counted in ClinVar's aggregate classification.
Comment: The SGSH p.A354V variant was not identified in the literature nor was it identified in ClinVar. The variant was identified in dbSNP (ID: rs537972451) and was identified in the 1000 Genomes Project in 14 of 5008 alleles (freq: 0.002796), but was not identified in the following control databases: the NHLBI GO Exome Sequencing Project or the Genome Aggregation Database (March 6, 2019, v2.1.1). Computational analyses predicting the impact of this variant on protein function are not available. In summary, based on the above information the clinical significance of this variant cannot be determined with certainty at this time. This variant is classified as a variant of uncertain significance.